The following is an entry in ClinVar:

ClinVar aggregate classification (germline): Conflicting classifications of pathogenicity. Review status: criteria provided, conflicting classifications (1 of 4 stars). 3 submissions from 3 submitters: Uncertain significance (2); Likely benign (1). Last evaluated 2024-05-30.

Conditions:
Thyrotoxic periodic paralysis, susceptibility to, 1 (TTPP1). Identifiers: Orphanet 79102, MedGen C2749982, MONDO:0008570, OMIM 188580.
Congenital myopathy 18. Also called: DIHYDROPYRIDINE RECEPTOR CONGENITAL MYOPATHY; DHPR CONGENITAL MYOPATHY; Myopathy, congenital, due to dihydropyridine receptor defect. Identifiers: MedGen C5830283, MONDO:0859514, OMIM 620246.
Hypokalemic periodic paralysis, type 1. Also called: HypoPP; Hypokalemic Periodic Paralysis Type 1 (AD). Identifiers: Orphanet 681, MedGen C3714580, MONDO:0042979, OMIM 170400.
Malignant hyperthermia, susceptibility to, 5 (MHS5). Also called: CACNA1S-Related Malignant Hyperthermia Susceptibility. Identifiers: Orphanet 423, MedGen C1866077, MONDO:0011163, OMIM 601887.

Allele frequency attached by ClinVar (database versions not stated): ExAC 0.00003; gnomAD exomes 0.00003.
gnomAD v4.1: 18 of 1,614,140 alleles (0.0011%); highest among the groups gnomAD compares: South Asian, 0.013%; 1 homozygote.

Submissions (3):

All of Us Research Program, National Institutes of Health
Classification: Uncertain significance for Malignant hyperthermia, susceptibility to, 5. Last evaluated: 2024-05-30. Review status: criteria provided, single submitter. Criteria: ACMG Guidelines, 2015. Collection method: clinical testing. Allele origin: germline. Inheritance: Autosomal dominant inheritance. Observed: 2 variant alleles, 2 heterozygotes.
Comment: This missense variant replaces methionine with valine at codon 619 of the CACNA1S protein. Computational prediction suggests that this variant may not impact protein structure and function. To our knowledge, functional studies have not been reported for this variant. This variant has not been reported in individuals affected with CACNA1S-related disorders in the literature. This variant has been identified in 8/251488 chromosomes in the general population by the Genome Aggregation Database (gnomAD). The available evidence is insufficient to determine the role of this variant in disease conclusively. Therefore, this variant is classified as a Variant of Uncertain Significance.

This study involves interpretation of variants in research participants for the purpose of population health screening. Participant phenotype was not available at the time of variant classification. Additional details can be found in publication PMID: 35346344, PMCID: PMC8962531

Labcorp Genetics (formerly Invitae), Labcorp
Classification: Likely benign for Hypokalemic periodic paralysis, type 1; Malignant hyperthermia, susceptibility to, 5. Last evaluated: 2024-03-29. Review status: criteria provided, single submitter. Criteria: Invitae Variant Classification Sherloc (09022015). Collection method: clinical testing. Allele origin: germline.

Fulgent Genetics
Classification: Uncertain significance for Hypokalemic periodic paralysis, type 1; Thyrotoxic periodic paralysis, susceptibility to, 1; Malignant hyperthermia, susceptibility to, 5; Congenital myopathy 18. Last evaluated: 2024-02-29. Review status: criteria provided, single submitter. Criteria: ACMG Guidelines, 2015. Collection method: clinical testing. Allele origin: germline.

NM_000069.3(CACNA1S):c.1855A>G (p.Met619Val)

Gene: CACNA1S (calcium voltage-gated channel subunit alpha1 S; minus strand). Cytogenetic location: 1q32.1.
Variant type: single nucleotide variant.
Coding change: c.1855A>G on transcript NM_000069.3 (MANE Select); coding-DNA position 1855, A replaced by G.
Protein change: p.Met619Val; replaces methionine 619 with valine.
Molecular consequence: missense variant.
Genome position (GRCh38, 1-based): chr1:201,075,588, T>C on the plus strand (A>G on the coding strand, the complement: CACNA1S is on the minus strand). VCF-style: chr1-201075588-T-C. GRCh37 (hg19) VCF-style: chr1-201044716-T-C.
Other names: short protein forms M619V.
Identifiers: ClinVar variation 1043659 (VCV001043659.11), dbSNP rs776996468, ClinGen allele CA078628.
Genomic context (GRCh38, chr1:201,075,588, plus strand): 5'-TGCACACAAGCATGCCAGGGTAGGACGGCCCGCCGTAGGCCATGATCCCATTGTACATCA[T>C]TGAGGTCCAGTCTTCCCCTGTCAGTACCTGTATGGAGGGAGGATAGAGGGCTCGGGAACA-3'
Protein context (NP_000060.2, residues 609-629): QVLTGEDWTS[Met619Val]MYNGIMAYGG